The following is an entry in ClinVar:

ClinVar aggregate classification (germline): Uncertain significance (1 of 4 stars; one submission).

Submission:

Dasa
Classification: Uncertain significance. Last evaluated: 2026-03-25. Review status: criteria provided, single submitter. Criteria: DASA Assertion Criteria. Collection method: clinical testing. Allele origin: germline.
Comment: NM_016333.4(SRRM2):c.3512C>T (p.Pro1171Leu) is a missense variant that results in the substitution of proline with leucine. This variant is rare in population databases. The currently available literature and clinical evidence are not sufficient to establish a definitive association between this variant and the reported condition. Therefore, this variant is classified as a variant of uncertain significance.

NM_016333.4(SRRM2):c.3512C>T (p.Pro1171Leu)

Gene: SRRM2 (serine/arginine repetitive matrix 2; plus strand). Cytogenetic location: 16p13.3.
Variant type: single nucleotide variant.
Coding change: c.3512C>T on transcript NM_016333.4 (MANE Select); coding-DNA position 3512, C replaced by T.
Protein change: p.Pro1171Leu; replaces proline 1171 with leucine.
Molecular consequence: missense variant.
Genome position (GRCh38, 1-based): chr16:2,764,040, C>T. VCF-style: chr16-2764040-C-T. GRCh37 (hg19) VCF-style: chr16-2814041-C-T.
Other names: short protein forms P1171L.
Identifiers: ClinVar variation 4885917 (VCV004885917.2).